The following is an entry in ClinVar:

NM_024876.4(COQ8B):c.933C>T (p.Ala311=)

Gene: COQ8B (coenzyme Q8B; minus strand). Cytogenetic location: 19q13.2.
Variant type: single nucleotide variant.
Coding change: c.933C>T on transcript NM_024876.4 (MANE Select); coding-DNA position 933, C replaced by T.
Protein change: p.Ala311=; no amino-acid change (alanine 311 retained).
Molecular consequence: synonymous variant.
Genome position (GRCh38, 1-based): chr19:40,700,412, G>A on the plus strand (C>T on the coding strand, the complement: COQ8B is on the minus strand). VCF-style: chr19-40700412-G-A. GRCh37 (hg19) VCF-style: chr19-41206317-G-A.
Other names: c.810C>T, p.Ala270= (NM_001142555.3).
Identifiers: ClinVar variation 3341058 (VCV003341058.1).

ClinVar aggregate classification (germline): Likely benign (1 of 4 stars; one submission).

gnomAD v4.1: 14 of 1,613,918 alleles (0.00087%); highest among the groups gnomAD compares: Middle Eastern, 0.017%; no homozygotes.

Submission:

GeneDx
Classification: Likely benign. Last evaluated: 2018-09-17. Review status: criteria provided, single submitter. Criteria: GeneDx Variant Classification Process June 2021. Collection method: clinical testing. Allele origin: germline. Affected: yes.
Comment: See Variant Classification Assertion Criteria.